The following is an entry in ClinVar:

NM_000548.5(TSC2):c.3884-1G>C

Gene: TSC2 (TSC complex subunit 2; plus strand). Cytogenetic location: 16p13.3.
Variant type: single nucleotide variant.
Coding change: c.3884-1G>C on transcript NM_000548.5 (MANE Select); the canonical splice acceptor site of the intron before coding-DNA position 3884, G replaced by C.
Molecular consequence: splice acceptor variant.
Genome position (GRCh38, 1-based): chr16:2,083,694, G>C. VCF-style: chr16-2083694-G-C. GRCh37 (hg19) VCF-style: chr16-2133695-G-C.
Other names: c.2342-1G>C (NM_001406693.1, NM_001406692.1, NM_001406694.1); c.3776-1G>C (NM_001406667.1); c.3773-1G>C (NM_001406668.1); c.3284-1G>C (NM_001406680.1); c.3215-1G>C (NM_001406683.1, NM_001406682.1); c.3083-1G>C (NM_001406687.1, NM_001406688.1); c.2471-1G>C (NM_001406689.1); c.2411-1G>C (NM_001406690.1); and 26 more.
Identifiers: ClinVar variation 65005 (VCV000065005.12), dbSNP rs137854079, ClinGen allele CA019636.
Genomic context (GRCh38, chr16:2,083,694, plus strand): 5'-CACGTCAGGGCCAGGGCCTGGCCCAGCCCCACATCCAGCAGCCCCGTCTGTGTCCTCCCA[G>C]ACTCCGCCGTGGTCATGGAGGAGGGAAGTCCGGGCGAGGTTCCTGTGCTGGTGGAGCCCC-3'

ClinVar aggregate classification (germline): Pathogenic. Review status: criteria provided, multiple submitters, no conflicts (2 of 4 stars). 5 submissions from 5 submitters: Pathogenic (4). 1 of the submissions does not count toward it. Last evaluated 2024-09-30.

Conditions:
Tuberous sclerosis syndrome (TSC). Also called: Tuberous Sclerosis Complex; Tuberous sclerosis. Identifiers: Orphanet 805, MedGen C0041341, MONDO:0001734.
Tuberous sclerosis 2 (TSC2). Identifiers: Orphanet 805, MedGen C1860707, MONDO:0013199, OMIM 613254.

Submissions (5):

Labcorp Genetics (formerly Invitae), Labcorp
Classification: Pathogenic for Tuberous sclerosis 2. Last evaluated: 2024-09-30. Review status: criteria provided, single submitter. Criteria: Invitae Variant Classification Sherloc (09022015). Collection method: clinical testing. Allele origin: germline.
Comment: This sequence change affects an acceptor splice site in intron 32 of the TSC2 gene. It is expected to disrupt RNA splicing. Variants that disrupt the donor or acceptor splice site typically lead to a loss of protein function (PMID: 16199547), and loss-of-function variants in TSC2 are known to be pathogenic (PMID: 10205261, 17304050). This variant is not present in population databases (gnomAD no frequency). Disruption of this splice site has been observed in individual(s) with tuberous sclerosis complex (PMID: 23389244, 27859028). This variant is also known as IVS31-1G>C. ClinVar contains an entry for this variant (Variation ID: 65005). Algorithms developed to predict the effect of sequence changes on RNA splicing suggest that this variant may disrupt the consensus splice site. For these reasons, this variant has been classified as Pathogenic.

Genome-Nilou Lab
Classification: Pathogenic for Tuberous sclerosis 2. Last evaluated: 2021-11-07. Review status: criteria provided, single submitter. Criteria: ACMG Guidelines, 2015. Collection method: clinical testing. Allele origin: germline. Affected: no.

Division of Genomic Medicine, Department of Advanced Medicine, Medical Research Institute, Kanazawa Medical University
Classification: Pathogenic for Tuberous sclerosis 2. Last evaluated: 2020-07-10. Review status: criteria provided, single submitter. Criteria: ACMG Guidelines, 2015. Collection method: clinical testing. Allele origin: germline. Affected: yes. Observed: 1 variant allele.

Mayo Clinic Laboratories, Mayo Clinic
Classification: Pathogenic. Last evaluated: 2019-10-09. Review status: criteria provided, single submitter. Criteria: ACMG Guidelines, 2015. Collection method: clinical testing. Allele origin: germline. Observed: 1 variant allele.
Comment: PVS1, PM2, PP4

Tuberous sclerosis database (TSC2)
No classification provided. Condition: TSC. Review status: no classification provided. Criteria: Tuberous Sclerosis Database Assertion Criteria 2015. Collection method: curation. Allele origin: germline. Affected: yes. Not counted in ClinVar's aggregate classification.

Literature cited by the submitters: PubMed 16199547 (cited by Labcorp Genetics (formerly Invitae), Labcorp); PubMed 10205261 (cited by Labcorp Genetics (formerly Invitae), Labcorp); PubMed 17304050 (cited by Labcorp Genetics (formerly Invitae), Labcorp); PubMed 23389244 (cited by Labcorp Genetics (formerly Invitae), Labcorp and Mayo Clinic Laboratories, Mayo Clinic); PubMed 27859028 (cited by Labcorp Genetics (formerly Invitae), Labcorp).